The following is an entry in ClinVar:

NM_000147.5(FUCA1):c.193G>A (p.Gly65Ser)

Gene: FUCA1 (alpha-L-fucosidase 1; minus strand). Cytogenetic location: 1p36.11.
Variant type: single nucleotide variant.
Coding change: c.193G>A on transcript NM_000147.5 (MANE Select); coding-DNA position 193, G replaced by A.
Protein change: p.Gly65Ser; replaces glycine 65 with serine.
Molecular consequence: missense variant.
Genome position (GRCh38, 1-based): chr1:23,868,094, C>T on the plus strand (G>A on the coding strand, the complement: FUCA1 is on the minus strand). VCF-style: chr1-23868094-C-T. GRCh37 (hg19) VCF-style: chr1-24194584-C-T.
Other names: c.193G>A (NM_000147.4); short protein forms G65S.
Identifiers: ClinVar variation 1479153 (VCV001479153.7), dbSNP rs763135982, ClinGen allele CA686606.

ClinVar aggregate classification (germline): Uncertain significance. Review status: criteria provided, multiple submitters, no conflicts (2 of 4 stars). 2 submissions from 2 submitters: Uncertain significance (2). Last evaluated 2026-06-22.

Conditions:
Fucosidosis. Also called: ALPHA-L-FUCOSIDASE DEFICIENCY. Identifiers: Orphanet 349, MedGen C0016788, MONDO:0009254, OMIM 230000.

Allele frequency attached by ClinVar (database versions not stated): gnomAD exomes below 0.00001 and 0.00002; ExAC 0.00001; gnomAD 0.00001; TOPMed 0.00003.
gnomAD v4.1: 12 of 1,611,856 alleles (0.00074%); highest among the groups gnomAD compares: Admixed American, 0.0067%; no homozygotes.

Submissions (2):

GeneDx
Classification: Uncertain significance. Last evaluated: 2026-06-22. Review status: criteria provided, single submitter. Criteria: GeneDx Variant Classification Process June 2021. Collection method: clinical testing. Allele origin: germline.
Comment: Not observed at significant frequency in large population cohorts (gnomAD); In silico analysis supports that this missense variant has a deleterious effect on protein structure/function; Has not been previously published as pathogenic or benign to our knowledge

Labcorp Genetics (formerly Invitae), Labcorp
Classification: Uncertain significance for Fucosidosis. Last evaluated: 2025-07-28. Review status: criteria provided, single submitter. Criteria: Invitae Variant Classification Sherloc (09022015). Collection method: clinical testing. Allele origin: germline.
Comment: This sequence change replaces glycine, which is neutral and non-polar, with serine, which is neutral and polar, at codon 65 of the FUCA1 protein (p.Gly65Ser). The frequency data for this variant in the population databases is considered unreliable, as metrics indicate poor data quality at this position in the gnomAD database. This variant has not been reported in the literature in individuals affected with FUCA1-related conditions. ClinVar contains an entry for this variant (Variation ID: 1479153). Invitae Evidence Modeling of protein sequence and biophysical properties (such as structural, functional, and spatial information, amino acid conservation, physicochemical variation, residue mobility, and thermodynamic stability) has been performed for this missense variant. However, the output from this modeling did not meet the statistical confidence thresholds required to predict the impact of this variant on FUCA1 protein function. In summary, the available evidence is currently insufficient to determine the role of this variant in disease. Therefore, it has been classified as a Variant of Uncertain Significance.